The following is an entry in ClinVar:

NM_002485.5(NBN):c.1298del (p.Pro433fs)

Gene: NBN (nibrin; minus strand). Cytogenetic location: 8q21.3.
Variant type: Deletion.
Coding change: c.1298del on transcript NM_002485.5 (MANE Select); coding-DNA position 1298, one base deleted (C; older notation c.1298delC).
Protein change: p.Pro433fs; shifts the reading frame from proline 433.
Molecular consequence: frameshift variant.
Genome position (GRCh38, 1-based): chr8:89,955,382, G deleted on the plus strand (C on the coding strand, the reverse complement: NBN is on the minus strand); the first of 2 consecutive G bases (chr8:89,955,382-89,955,383); deleting either gives the same sequence. VCF-style (leftmost placement, unchanged base first): chr8-89955381-TG-T. GRCh37 (hg19) VCF-style: chr8-90967609-TG-T.
Other names: c.1052del, p.Pro351fs (NM_001024688.3); c.1298del (NM_002485.4); short protein forms P351fs, P433fs.
Identifiers: ClinVar variation 2676956 (VCV002676956.2), dbSNP rs2488243439, ClinGen allele CA2695201498.

ClinVar aggregate classification (germline): Likely pathogenic. Review status: criteria provided, multiple submitters, no conflicts (2 of 4 stars). 2 submissions from 2 submitters: Likely pathogenic (2). Last evaluated 2024-08-13.

Conditions:
Aplastic anemia. Identifiers: Orphanet 182040, Orphanet 88, MedGen C0002874, MONDO:0015909, OMIM 609135, HP:0001915.
Microcephaly, normal intelligence and immunodeficiency (NBS). Also called: IMMUNODEFICIENCY, MICROCEPHALY, AND CHROMOSOMAL INSTABILITY; SEEMANOVA SYNDROME II; Nijmegen breakage syndrome; Microcephaly with normal intelligence immunodeficiency and lymphoreticular malignancies; Nonsyndromal microcephaly autosomal recessive with normal intelligence; Seemanova syndrome 2. Identifiers: Orphanet 647, MedGen C0398791, MONDO:0009623, OMIM 251260.

Submissions (2):

Natera, Inc.
Classification: Likely pathogenic for Nijmegen breakage syndrome. Last evaluated: 2024-08-13. Review status: criteria provided, single submitter. Criteria: Natera Variant Classification Schema (03/2026). Collection method: clinical testing. Allele origin: germline.
Comment: The c.1298del variant in NBN is a frameshift variant predicted to shift the reading frame beginning at codon 433 and leads to a stop codon 7 codons downstream. This variant is expected to result in nonsense mediated decay, truncation, or a dysfunctional protein product. This variant is rare in the general population with a frequency below the threshold expected for the associated phenotype(s). Given the available evidence, this variant is classified as Likely Pathogenic.

Baylor Genetics
Classification: Likely pathogenic for Aplastic anemia. Last evaluated: 2022-09-21. Review status: criteria provided, single submitter. Criteria: ACMG Guidelines, 2015. Collection method: clinical testing. Allele origin: unknown.